The following is an entry in ClinVar:

NM_001289125.3(IFNAR2):c.803G>C (p.Gly268Ala)

Genes: IFNAR2 (interferon alpha and beta receptor subunit 2; plus strand), IFNAR2-IL10RB (IFNAR2-IL10RB readthrough; plus strand). Cytogenetic location: 21q22.11.
Variant type: single nucleotide variant.
Coding change: c.803G>C on transcript NM_001289125.3 (MANE Select); coding-DNA position 803, G replaced by C.
Protein change: p.Gly268Ala; replaces glycine 268 with alanine.
Molecular consequence: missense variant. On other transcripts: intron variant (3).
Genome position (GRCh38, 1-based): chr21:33,260,690, G>C. VCF-style: chr21-33260690-G-C. GRCh37 (hg19) VCF-style: chr21-34632995-G-C.
Other names: c.803G>C, p.Gly268Ala (NM_000874.5, NM_001385055.1, NM_207584.3 and 1 more transcripts); c.710-2103G>C (NM_001289128.2, NM_001289126.2); c.710-1871G>C (NM_001385054.1); short protein forms G268A.
Identifiers: ClinVar variation 1972117 (VCV001972117.3), dbSNP rs918622040, ClinGen allele CA410103208.

ClinVar aggregate classification (germline): Uncertain significance (1 of 4 stars; one submission).

Submission:

Labcorp Genetics (formerly Invitae), Labcorp
Classification: Uncertain significance. Last evaluated: 2022-06-13. Review status: criteria provided, single submitter. Criteria: Invitae Variant Classification Sherloc (09022015). Collection method: clinical testing. Allele origin: germline.
Comment: In summary, the available evidence is currently insufficient to determine the role of this variant in disease. Therefore, it has been classified as a Variant of Uncertain Significance. Algorithms developed to predict the effect of missense changes on protein structure and function are either unavailable or do not agree on the potential impact of this missense change (SIFT: "Deleterious"; PolyPhen-2: "Probably Damaging"; Align-GVGD: "Class C0"). This variant has not been reported in the literature in individuals affected with IFNAR2-related conditions. This variant is not present in population databases (gnomAD no frequency). This sequence change replaces glycine, which is neutral and non-polar, with alanine, which is neutral and non-polar, at codon 268 of the IFNAR2 protein (p.Gly268Ala).